The following is an entry in ClinVar:

ClinVar aggregate classification (germline): Uncertain significance (1 of 4 stars; one submission).

Allele frequency attached by ClinVar (database versions not stated): gnomAD exomes below 0.00001; ExAC 0.00001.

Submission:

Labcorp Genetics (formerly Invitae), Labcorp
Classification: Uncertain significance. Last evaluated: 2022-10-08. Review status: criteria provided, single submitter. Criteria: Invitae Variant Classification Sherloc (09022015). Collection method: clinical testing. Allele origin: germline.
Comment: In summary, the available evidence is currently insufficient to determine the role of this variant in disease. Therefore, it has been classified as a Variant of Uncertain Significance. Advanced modeling of protein sequence and biophysical properties (such as structural, functional, and spatial information, amino acid conservation, physicochemical variation, residue mobility, and thermodynamic stability) performed at Invitae indicates that this missense variant is not expected to disrupt COL4A6 protein function. This variant has not been reported in the literature in individuals affected with COL4A6-related conditions. This variant is present in population databases (rs775776024, gnomAD 0.009%). This sequence change replaces glutamine, which is neutral and polar, with glutamic acid, which is acidic and polar, at codon 645 of the COL4A6 protein (p.Gln645Glu).

NM_033641.4(COL4A6):c.1930C>G (p.Gln644Glu)

Gene: COL4A6 (collagen type IV alpha 6 chain; minus strand). Cytogenetic location: Xq22.3.
Variant type: single nucleotide variant.
Coding change: c.1930C>G on transcript NM_033641.4 (MANE Select); coding-DNA position 1930, C replaced by G.
Protein change: p.Gln644Glu; replaces glutamine 644 with glutamic acid.
Molecular consequence: missense variant.
Genome position (GRCh38, 1-based): chrX:108,187,117, G>C on the plus strand (C>G on the coding strand, the complement: COL4A6 is on the minus strand). VCF-style: chrX-108187117-G-C. GRCh37 (hg19) VCF-style: chrX-107430347-G-C.
Other names: c.1930C>G, p.Gln644Glu (NM_001287758.2, NM_001287759.2, NM_001287760.2); c.1933C>G, p.Gln645Glu (NM_001847.4); short protein forms Q644E, Q645E.
Identifiers: ClinVar variation 1966077 (VCV001966077.5), dbSNP rs775776024, ClinGen allele CA10487744.